The following is an entry in ClinVar:

NM_000081.4(LYST):c.3731A>G (p.Glu1244Gly)

Gene: LYST (lysosomal trafficking regulator; minus strand). Cytogenetic location: 1q42.3.
Variant type: single nucleotide variant.
Coding change: c.3731A>G on transcript NM_000081.4 (MANE Select); coding-DNA position 3731, A replaced by G.
Protein change: p.Glu1244Gly; replaces glutamic acid 1244 with glycine.
Molecular consequence: missense variant.
Genome position (GRCh38, 1-based): chr1:235,801,079, T>C on the plus strand (A>G on the coding strand, the complement: LYST is on the minus strand). VCF-style: chr1-235801079-T-C. GRCh37 (hg19) VCF-style: chr1-235964379-T-C.
Other names: c.3731A>G, p.Glu1244Gly (NM_001301365.1); short protein forms E1244G.
Identifiers: ClinVar variation 4715032 (VCV004715032.1).

ClinVar aggregate classification (germline): Uncertain significance (1 of 4 stars; one submission).

Conditions:
Chédiak-Higashi syndrome (CHS). Also called: Chediak-Higashi Syndrome. Identifiers: Orphanet 167, MedGen C0007965, MONDO:0008963, OMIM 214500.

Submission:

Labcorp Genetics (formerly Invitae), Labcorp
Classification: Uncertain significance for Chédiak-Higashi syndrome. Last evaluated: 2025-04-28. Review status: criteria provided, single submitter. Criteria: Invitae Variant Classification Sherloc (09022015). Collection method: clinical testing. Allele origin: germline.
Comment: This sequence change replaces glutamic acid, which is acidic and polar, with glycine, which is neutral and non-polar, at codon 1244 of the LYST protein (p.Glu1244Gly). This variant is not present in population databases (gnomAD no frequency). This variant has not been reported in the literature in individuals affected with LYST-related conditions. An algorithm developed to predict the effect of missense changes on protein structure and function (PolyPhen-2) suggests that this variant is likely to be tolerated. In summary, the available evidence is currently insufficient to determine the role of this variant in disease. Therefore, it has been classified as a Variant of Uncertain Significance.